The following is an entry in ClinVar:

ClinVar aggregate classification (germline): Pathogenic (1 of 4 stars; one submission).

Conditions:
Duchenne muscular dystrophy (DMD). Also called: Duchenne Muscular Dystrophy (DMD); MUSCULAR DYSTROPHY, PSEUDOHYPERTROPHIC PROGRESSIVE, DUCHENNE TYPE. Identifiers: Orphanet 98896, MedGen C0013264, MONDO:0010679, OMIM 310200.

Submission:

Labcorp Genetics (formerly Invitae), Labcorp
Classification: Pathogenic for Duchenne muscular dystrophy. Last evaluated: 2023-05-31. Review status: criteria provided, single submitter. Criteria: Invitae Variant Classification Sherloc (09022015). Collection method: clinical testing. Allele origin: germline.
Comment: For these reasons, this variant has been classified as Pathogenic. A similar copy number variant has been observed in individuals with Duchenne muscular dystrophy (PMID: 19937601, 24099565, 31705731). This variant is a gross deletion of the genomic region encompassing exon(s) 8-12 of the DMD gene. This deletion is out-of-frame, and is expected to create a premature termination codon and result in an absent or disrupted protein product. Loss-of-function variants in DMD are known to be pathogenic (PMID: 16770791, 25007885).

Literature cited by the submitters: PubMed 19937601; PubMed 24099565; PubMed 31705731; PubMed 16770791; PubMed 25007885.

NC_000023.10:g.(?_32632400)_(32717430_?)del

Gene: DMD (dystrophin; minus strand). Cytogenetic location: Xp21.1.
Variant type: Deletion.
Identifiers: ClinVar variation 1455850 (VCV001455850.6).